The following is an entry in ClinVar:

NM_001113378.2(FANCI):c.994A>C (p.Thr332Pro)

Gene: FANCI (FA complementation group I; plus strand). Cytogenetic location: 15q26.1.
Variant type: single nucleotide variant.
Coding change: c.994A>C on transcript NM_001113378.2 (MANE Select); coding-DNA position 994, A replaced by C.
Protein change: p.Thr332Pro; replaces threonine 332 with proline.
Molecular consequence: missense variant.
Genome position (GRCh38, 1-based): chr15:89,274,186, A>C. VCF-style: chr15-89274186-A-C. GRCh37 (hg19) VCF-style: chr15-89817417-A-C.
Other names: c.715A>C, p.Thr239Pro (NM_001376910.1); c.994A>C, p.Thr332Pro (NM_001376911.1, NM_018193.3); short protein forms T239P, T332P.
Identifiers: ClinVar variation 1372898 (VCV001372898.5), dbSNP rs2053317531, ClinGen allele CA393741536.
Genomic context (GRCh38, chr15:89,274,186, plus strand): 5'-ATTTATTTATTTTTTCATTTATTTTTATTAACTATACTCAAGGTGCTTGATCTTTTAAAG[A>C]CTTCGGTTGTAAAGAGCTTTAAGGATCTTCAACTCCTCCAAGGCTCAAAATTTCTTCAGA-3'
Protein context (NP_001106849.1, residues 322-342): FQDQVLDLLK[Thr332Pro]SVVKSFKDLQ

ClinVar aggregate classification (germline): Uncertain significance (1 of 4 stars; one submission).

Conditions:
Fanconi anemia (FA). Also called: Fanconi's anemia. Identifiers: Orphanet 84, MedGen C0015625, MeSH D005199, MONDO:0019391.

Allele frequency attached by ClinVar (database versions not stated): gnomAD exomes below 0.00001; TOPMed below 0.00001.
gnomAD v4.1: 1 of 1,577,396 alleles (0.000063%); highest among the groups gnomAD compares: Admixed American, 0.0018%; no homozygotes.

Submission:

Labcorp Genetics (formerly Invitae), Labcorp
Classification: Uncertain significance for Fanconi anemia. Last evaluated: 2021-08-28. Review status: criteria provided, single submitter. Criteria: Invitae Variant Classification Sherloc (09022015). Collection method: clinical testing. Allele origin: germline.
Comment: This sequence change replaces threonine with proline at codon 332 of the FANCI protein (p.Thr332Pro). The threonine residue is moderately conserved and there is a small physicochemical difference between threonine and proline. This variant is not present in population databases (ExAC no frequency). This variant has not been reported in the literature in individuals affected with FANCI-related conditions. Algorithms developed to predict the effect of missense changes on protein structure and function (SIFT, PolyPhen-2, Align-GVGD) all suggest that this variant is likely to be tolerated. In summary, the available evidence is currently insufficient to determine the role of this variant in disease. Therefore, it has been classified as a Variant of Uncertain Significance.